The following is an entry in ClinVar:

ClinVar aggregate classification (germline): Conflicting classifications of pathogenicity. Review status: criteria provided, conflicting classifications (1 of 4 stars). 4 submissions from 4 submitters: Uncertain significance (3); Likely benign (1). Last evaluated 2026-01-18.

Conditions:
SLC16A1-related disorder. Also called: SLC16A1-related disorders; SLC16A1-related condition.
Inborn genetic diseases. Identifiers: MedGen C0950123, MeSH D030342.

Allele frequency attached by ClinVar (database versions not stated): gnomAD exomes 0.00003 and 0.00007; ExAC 0.00011; 1000 Genomes Project 30x 0.00031; gnomAD 0.00033 and 0.00035; TOPMed 0.00037; ESP Exome Variant Server 0.00038; 1000 Genomes Project 0.00040.
gnomAD v4.1: 90 of 1,614,146 alleles (0.0056%); highest among the groups gnomAD compares: African/African-American, 0.11%; no homozygotes.

Submissions (4):

Labcorp Genetics (formerly Invitae), Labcorp
Classification: Uncertain significance. Last evaluated: 2026-01-18. Review status: criteria provided, single submitter. Criteria: Invitae Variant Classification Sherloc (09022015). Collection method: clinical testing. Allele origin: germline.
Comment: This sequence change replaces glycine, which is neutral and non-polar, with arginine, which is basic and polar, at codon 355 of the SLC16A1 protein (p.Gly355Arg). This variant is present in population databases (rs140728650, gnomAD 0.08%). This variant has not been reported in the literature in individuals affected with SLC16A1-related conditions. ClinVar contains an entry for this variant (Variation ID: 212183). An algorithm developed to predict the effect of missense changes on protein structure and function (PolyPhen-2) suggests that this variant is likely to be disruptive. In summary, the available evidence is currently insufficient to determine the role of this variant in disease. Therefore, it has been classified as a Variant of Uncertain Significance.

Ambry Genetics
Classification: Likely benign for Inborn genetic diseases. Last evaluated: 2025-08-05. Review status: criteria provided, single submitter. Criteria: Ambry Variant Classification Scheme 2023. Collection method: clinical testing. Allele origin: germline.

PreventionGenetics, part of Exact Sciences
Classification: Uncertain significance for SLC16A1-related condition. Last evaluated: 2023-06-26. Review status: criteria provided, single submitter. Criteria: ACMG Guidelines, 2015. Collection method: clinical testing. Allele origin: germline.
Comment: The SLC16A1 c.1063G>A variant is predicted to result in the amino acid substitution p.Gly355Arg. To our knowledge, this variant has not been reported in the literature. This variant is reported in 0.088% of alleles in individuals of African descent in gnomAD. Although we suspect that this variant may be benign, at this time, the clinical significance of this variant is uncertain due to the absence of conclusive functional and genetic evidence.

Genetic Services Laboratory, University of Chicago
Classification: Uncertain significance. Last evaluated: 2015-02-24. Review status: criteria provided, single submitter. Criteria: ACMG Guidelines, 2015. Collection method: clinical testing. Allele origin: germline.

NM_003051.4(SLC16A1):c.1063G>A (p.Gly355Arg)

Gene: SLC16A1 (solute carrier family 16 member 1; minus strand). Cytogenetic location: 1p13.2.
Variant type: single nucleotide variant.
Coding change: c.1063G>A on transcript NM_003051.4 (MANE Select); coding-DNA position 1063, G replaced by A.
Protein change: p.Gly355Arg; replaces glycine 355 with arginine.
Molecular consequence: missense variant.
Genome position (GRCh38, 1-based): chr1:112,917,343, C>T on the plus strand (G>A on the coding strand, the complement: SLC16A1 is on the minus strand). VCF-style: chr1-112917343-C-T. GRCh37 (hg19) VCF-style: chr1-113459965-C-T.
Other names: c.1063G>A, p.Gly355Arg (NM_001166496.2); short protein forms G355R.
Identifiers: ClinVar variation 212183 (VCV000212183.12), dbSNP rs140728650, ClinGen allele CA205167.